The following is an entry in ClinVar:

ClinVar aggregate classification (germline): Likely pathogenic (1 of 4 stars; one submission).

Conditions:
Intellectual developmental disorder, X-linked 108. Also called: MENTAL RETARDATION, X-LINKED 108. Identifiers: MedGen C5193009, MONDO:0026723, OMIM 301024.

Submission:

MGZ Medical Genetics Center
Classification: Likely pathogenic for Intellectual developmental disorder, X-linked 108. Last evaluated: 2021-09-02. Review status: criteria provided, single submitter. Criteria: ACMG Guidelines, 2015. Collection method: clinical testing. Allele origin: germline. Affected: yes. Observed: 1 variant allele.
Comment: ACMG criteria applied: PVS1, PM2_SUP

NM_001111125.3(IQSEC2):c.1655_1667dup (p.Pro557fs)

Gene: IQSEC2 (IQ motif and Sec7 domain ArfGEF 2; minus strand). Cytogenetic location: Xp11.22.
Variant type: Duplication.
Coding change: c.1655_1667dup on transcript NM_001111125.3 (MANE Select); coding-DNA positions 1655 to 1667, 13 bases duplicated (CGCCAGTTCCTCC).
Protein change: p.Pro557fs; shifts the reading frame from proline 557.
Molecular consequence: frameshift variant.
Genome position (GRCh38, 1-based): chrX:53,250,909-53,250,921, GGAGGAACTGGCG duplicated on the plus strand (CGCCAGTTCCTCC on the coding strand, the reverse complement: IQSEC2 is on the minus strand); duplicating any 13 consecutive bases within chrX:53,250,909-53,250,925 gives the same sequence; the c. name uses the placement nearest the transcript's 3' end. VCF-style (leftmost placement, unchanged base first): chrX-53250908-T-TGGAGGAACTGGCG. GRCh37 (hg19) VCF-style: chrX-53280090-T-TGGAGGAACTGGCG.
Other names: c.1651_1663dup, p.Pro557Alafs (NM_001410736.1); c.1040_1052dup, p.Pro352fs (NM_015075.2); short protein forms P352fs, P557fs.
Identifiers: ClinVar variation 1709052 (VCV001709052.2), dbSNP rs2519806355, ClinGen allele CA2580101191.
Genomic context (GRCh38, chrX:53,250,908, plus strand): 5'-GGGACCCCTGCGAGTGCCTTCCTCACGGCTACCGTCTTCCCGGGTTCCTGATGGCACTGG[T>TGGAGGAACTGGCG]GGAGGAACTGGCGGGAGAGGGGCTGGCGCCCAGAACTCGGGCCGGCCCTGGGGTGGGGGT-3'